The following is an entry in ClinVar:

NC_000009.11:g.(?_111679807)_(111679970_?)del

Gene: ELP1 (elongator acetyltransferase complex subunit 1; minus strand). Cytogenetic location: 9q31.3.
Variant type: Deletion.
Identifiers: ClinVar variation 3245320 (VCV003245320.1).

ClinVar aggregate classification (germline): Pathogenic (1 of 4 stars; one submission).

Submission:

Labcorp Genetics (formerly Invitae), Labcorp
Classification: Pathogenic. Last evaluated: 2023-02-16. Review status: criteria provided, single submitter. Criteria: Invitae Variant Classification Sherloc (09022015). Collection method: clinical testing. Allele origin: unknown.
Comment: For these reasons, this variant has been classified as Pathogenic. This variant has not been reported in the literature in individuals affected with ELP1-related conditions. This variant is a gross deletion of the genomic region encompassing exon(s) 9 of the ELP1 gene. This deletion is out-of-frame, and is expected to create a premature termination codon and result in an absent or disrupted protein product. Loss-of-function variants in ELP1 are known to be pathogenic (PMID: 18303054, 24173031).

Literature cited by the submitters: PubMed 18303054; PubMed 24173031.